The following is an entry in ClinVar:

NM_031885.5(BBS2):c.113G>A (p.Gly38Asp)

Gene: BBS2 (Bardet-Biedl syndrome 2; minus strand). Cytogenetic location: 16q13.
Variant type: single nucleotide variant.
Coding change: c.113G>A on transcript NM_031885.5 (MANE Select); coding-DNA position 113, G replaced by A.
Protein change: p.Gly38Asp; replaces glycine 38 with aspartic acid.
Molecular consequence: missense variant. On other transcripts: non-coding transcript variant (5).
Genome position (GRCh38, 1-based): chr16:56,519,750, C>T on the plus strand (G>A on the coding strand, the complement: BBS2 is on the minus strand). VCF-style: chr16-56519750-C-T. GRCh37 (hg19) VCF-style: chr16-56553662-C-T.
Other names: c.113G>A, p.Gly38Asp (NM_001377456.1); c.113G>A (NM_031885.3); short protein forms G38D.
Identifiers: ClinVar variation 1448651 (VCV001448651.6), dbSNP rs748872389, ClinGen allele CA8066138.

ClinVar aggregate classification (germline): Uncertain significance. Review status: criteria provided, multiple submitters, no conflicts (2 of 4 stars). 3 submissions from 3 submitters: Uncertain significance (3). Last evaluated 2025-04-03.

Conditions:
Inborn genetic diseases. Identifiers: MedGen C0950123, MeSH D030342.
Bardet-Biedl syndrome (BBS). Identifiers: Orphanet 110, MedGen C0752166, MONDO:0015229.

Allele frequency attached by ClinVar (database versions not stated): gnomAD exomes below 0.00001; ExAC 0.00001.
gnomAD v4.1: 5 of 1,612,800 alleles (0.00031%); highest among the groups gnomAD compares: Non-Finnish European, 0.00042%; no homozygotes.

Submissions (3):

GeneDx
Classification: Uncertain significance. Last evaluated: 2025-04-03. Review status: criteria provided, single submitter. Criteria: GeneDx Variant Classification Process June 2021. Collection method: clinical testing. Allele origin: germline. Affected: yes.
Comment: Not observed at significant frequency in large population cohorts (gnomAD); In silico analysis supports that this missense variant has a deleterious effect on protein structure/function; Has not been previously published as pathogenic or benign to our knowledge

Labcorp Genetics (formerly Invitae), Labcorp
Classification: Uncertain significance for Bardet-Biedl syndrome. Last evaluated: 2023-10-03. Review status: criteria provided, single submitter. Criteria: Invitae Variant Classification Sherloc (09022015). Collection method: clinical testing. Allele origin: germline.
Comment: This sequence change replaces glycine, which is neutral and non-polar, with aspartic acid, which is acidic and polar, at codon 38 of the BBS2 protein (p.Gly38Asp). This variant is present in population databases (rs748872389, gnomAD 0.0009%). This variant has not been reported in the literature in individuals affected with BBS2-related conditions. ClinVar contains an entry for this variant (Variation ID: 1448651). Advanced modeling of protein sequence and biophysical properties (such as structural, functional, and spatial information, amino acid conservation, physicochemical variation, residue mobility, and thermodynamic stability) performed at Invitae indicates that this missense variant is not expected to disrupt BBS2 protein function. In summary, the available evidence is currently insufficient to determine the role of this variant in disease. Therefore, it has been classified as a Variant of Uncertain Significance.

Ambry Genetics
Classification: Uncertain significance for Inborn genetic diseases. Last evaluated: 2022-06-29. Review status: criteria provided, single submitter. Criteria: Ambry Variant Classification Scheme 2023. Collection method: clinical testing. Allele origin: germline.